The following is an entry in ClinVar:

ClinVar aggregate classification (germline): Likely benign. Review status: criteria provided, multiple submitters, no conflicts (2 of 4 stars). 4 submissions from 4 submitters: Likely benign (4). Last evaluated 2025-12-29.

Conditions:
DICER1-related tumor predisposition. Also called: DICER1-related pleuropulmonary blastoma cancer predisposition syndrome; DICER1 syndrome. Identifiers: Orphanet 284343, MedGen C3839822, MONDO:0100216.
Hereditary cancer-predisposing syndrome. Also called: Neoplastic Syndromes, Hereditary; Tumor predisposition; Hereditary Cancer Syndrome; Hereditary neoplastic syndrome. Identifiers: Orphanet 140162, MedGen C0027672, MeSH D009386, MONDO:0015356.

Allele frequency attached by ClinVar (database versions not stated): ExAC 0.00001; gnomAD exomes 0.00001.
gnomAD v4.1: 5 of 1,614,124 alleles (0.00031%); highest among the groups gnomAD compares: South Asian, 0.0055%; no homozygotes.

Submissions (4):

Center for Genomic Medicine, Rigshospitalet, Copenhagen University Hospital
Classification: Likely benign. Last evaluated: 2025-12-29. Review status: criteria provided, single submitter. Criteria: ACMG Guidelines, 2015. Collection method: clinical testing. Allele origin: germline.
Comment: Classification criteria: BP4, BP7

Labcorp Genetics (formerly Invitae), Labcorp
Classification: Likely benign for DICER1-related tumor predisposition. Last evaluated: 2025-09-18. Review status: criteria provided, single submitter. Criteria: Invitae Variant Classification Sherloc (09022015). Collection method: clinical testing. Allele origin: germline.

Blueprint Genetics
Classification: Likely benign. Last evaluated: 2023-11-09. Review status: criteria provided, single submitter. Criteria: ACMG Guidelines, 2015. Collection method: clinical testing. Allele origin: germline.

Ambry Genetics
Classification: Likely benign for Hereditary cancer-predisposing syndrome. Last evaluated: 2018-03-21. Review status: criteria provided, single submitter. Criteria: Ambry Variant Classification Scheme 2023. Collection method: clinical testing. Allele origin: germline.

NM_177438.3(DICER1):c.1476A>G (p.Lys492=)

Gene: DICER1 (dicer 1, ribonuclease III; minus strand). Cytogenetic location: 14q32.13.
Variant type: single nucleotide variant.
Coding change: c.1476A>G on transcript NM_177438.3 (MANE Select); coding-DNA position 1476, A replaced by G.
Protein change: p.Lys492=; no amino-acid change (lysine 492 retained).
Molecular consequence: synonymous variant.
Genome position (GRCh38, 1-based): chr14:95,117,655, T>C on the plus strand (A>G on the coding strand, the complement: DICER1 is on the minus strand). VCF-style: chr14-95117655-T-C. GRCh37 (hg19) VCF-style: chr14-95583992-T-C.
Other names: c.1476A>G, p.Lys492= (NM_001195573.1, NM_001271282.3, NM_001291628.2 and 1 more transcripts).
Identifiers: ClinVar variation 819306 (VCV000819306.16), dbSNP rs564729021, ClinGen allele CA7331476.